The following is an entry in ClinVar:

NM_001113378.2(FANCI):c.2768A>G (p.Tyr923Cys)

Gene: FANCI (FA complementation group I; plus strand). Cytogenetic location: 15q26.1.
Variant type: single nucleotide variant.
Coding change: c.2768A>G on transcript NM_001113378.2 (MANE Select); coding-DNA position 2768, A replaced by G.
Protein change: p.Tyr923Cys; replaces tyrosine 923 with cysteine.
Molecular consequence: missense variant.
Genome position (GRCh38, 1-based): chr15:89,299,931, A>G. VCF-style: chr15-89299931-A-G. GRCh37 (hg19) VCF-style: chr15-89843162-A-G.
Other names: c.2489A>G, p.Tyr830Cys (NM_001376910.1); c.2768A>G, p.Tyr923Cys (NM_001376911.1); c.2588A>G, p.Tyr863Cys (NM_018193.3); short protein forms Y923C, Y863C, Y830C.
Identifiers: ClinVar variation 317288 (VCV000317288.13), dbSNP rs200907824, ClinGen allele CA7723452.

ClinVar aggregate classification (germline): Uncertain significance. Review status: criteria provided, multiple submitters, no conflicts (2 of 4 stars). 4 submissions from 4 submitters: Uncertain significance (4). Last evaluated 2025-11-24.

Conditions:
Fanconi anemia (FA). Also called: Fanconi's anemia. Identifiers: Orphanet 84, MedGen C0015625, MeSH D005199, MONDO:0019391.
Fanconi anemia complementation group I (FANCI). Also called: FANCI-Related Fanconi Anemia. Identifiers: Orphanet 84, MedGen C1836861, MONDO:0012186, OMIM 609053.

Allele frequency attached by ClinVar (database versions not stated): gnomAD 0.00002 and 0.00005; TOPMed 0.00002; gnomAD exomes 0.00007 and 0.00010; ExAC 0.00012; 1000 Genomes Project 30x 0.00031; 1000 Genomes Project 0.00040.
gnomAD v4.1: 148 of 1,614,128 alleles (0.0092%); highest among the groups gnomAD compares: South Asian, 0.037%; 1 homozygote.

Submissions (4):

Labcorp Genetics (formerly Invitae), Labcorp
Classification: Uncertain significance for Fanconi anemia. Last evaluated: 2025-11-24. Review status: criteria provided, single submitter. Criteria: Invitae Variant Classification Sherloc (09022015). Collection method: clinical testing. Allele origin: germline.
Comment: This sequence change replaces tyrosine, which is neutral and polar, with cysteine, which is neutral and slightly polar, at codon 923 of the FANCI protein (p.Tyr923Cys). This variant is present in population databases (rs200907824, gnomAD 0.03%). This variant has not been reported in the literature in individuals affected with FANCI-related conditions. ClinVar contains an entry for this variant (Variation ID: 317288). Invitae Evidence Modeling of protein sequence and biophysical properties (such as structural, functional, and spatial information, amino acid conservation, physicochemical variation, residue mobility, and thermodynamic stability) indicates that this missense variant is expected to disrupt FANCI protein function with a positive predictive value of 80%. In summary, the available evidence is currently insufficient to determine the role of this variant in disease. Therefore, it has been classified as a Variant of Uncertain Significance.

Fulgent Genetics
Classification: Uncertain significance for Fanconi anemia complementation group I. Last evaluated: 2024-06-05. Review status: criteria provided, single submitter. Criteria: ACMG Guidelines, 2015. Collection method: clinical testing. Allele origin: germline.

GeneDx
Classification: Uncertain significance. Last evaluated: 2020-05-21. Review status: criteria provided, single submitter. Criteria: GeneDx Variant Classification Process June 2021. Collection method: clinical testing. Allele origin: germline. Affected: yes.
Comment: In silico analysis supports that this missense variant has a deleterious effect on protein structure/function; Observed in individuals with head and neck carcinoma (Chandrasekharappa 2017); This variant is associated with the following publications: (PMID: 28678401)

Illumina Laboratory Services, Illumina
Classification: Uncertain significance for Fanconi anemia complementation group I. Last evaluated: 2018-01-13. Review status: criteria provided, single submitter. Criteria: ICSL Variant Classification Criteria 13 December 2019. Collection method: clinical testing. Allele origin: germline.